The following is an entry in ClinVar:

NM_177986.5(DSG4):c.2019C>T (p.Gly673=)

Genes: DSG1-AS1 (DSG1 antisense RNA 1; minus strand), DSG4 (desmoglein 4; plus strand). Cytogenetic location: 18q12.1.
Variant type: single nucleotide variant.
Coding change: c.2019C>T on transcript NM_177986.5 (MANE Select); coding-DNA position 2019, C replaced by T.
Protein change: p.Gly673=; no amino-acid change (glycine 673 retained).
Molecular consequence: synonymous variant.
Genome position (GRCh38, 1-based): chr18:31,409,537, C>T. VCF-style: chr18-31409537-C-T. GRCh37 (hg19) VCF-style: chr18-28989500-C-T.
Other names: c.2019C>T, p.Gly673= (NM_001134453.3).
Identifiers: ClinVar variation 326443 (VCV000326443.11), dbSNP rs143288405, ClinGen allele CA8927158.
Genomic context (GRCh38, chr18:31,409,537, plus strand): 5'-TTGCTGCAAACAGAGACAGCCAGAAGGCCTGGGAACAAGATTTGCTCCTGTGCCTGAGGG[C>T]GGAGAAGGAGTGATGCAGTCTTGGAGAATTGAAGGGGCCCATCCCGAGGACAGGGTAAGT-3'
Protein context (NP_817123.1, residues 663-683): LGTRFAPVPE[Gly673=]GEGVMQSWRI

ClinVar aggregate classification (germline): Conflicting classifications of pathogenicity. Review status: criteria provided, conflicting classifications (1 of 4 stars). 3 submissions from 3 submitters: Uncertain significance (1); Likely benign (1). 1 of the submissions does not count toward it. Last evaluated 2019-12-31.

Conditions:
DSG4-related disorder. Also called: DSG4-related condition.
Hypotrichosis 6 (HYPT6). Also called: HYPOTRICHOSIS, LOCALIZED, AUTOSOMAL RECESSIVE 1; MONILETHRIX-LIKE HYPOTRICHOSIS. Identifiers: Orphanet 55654, MedGen C1842839, MONDO:0011932, OMIM 607903.

Allele frequency attached by ClinVar (database versions not stated): gnomAD exomes 0.00023 and 0.00040; ExAC 0.00027; gnomAD 0.00030; TOPMed 0.00033; ESP Exome Variant Server 0.00054.
gnomAD v4.1: 632 of 1,613,924 alleles (0.039%); highest among the groups gnomAD compares: Non-Finnish European, 0.05%; 1 homozygote.

Submissions (3):

Labcorp Genetics (formerly Invitae), Labcorp
Classification: Likely benign. Last evaluated: 2019-12-31. Review status: criteria provided, single submitter. Criteria: Invitae Variant Classification Sherloc (09022015). Collection method: clinical testing. Allele origin: germline.

Illumina Laboratory Services, Illumina
Classification: Uncertain significance for Hypotrichosis 6. Last evaluated: 2018-01-13. Review status: criteria provided, single submitter. Criteria: ICSL Variant Classification Criteria 13 December 2019. Collection method: clinical testing. Allele origin: germline.

PreventionGenetics, part of Exact Sciences
Classification: Likely benign for DSG4-related condition. Last evaluated: 2019-09-04. Review status: no assertion criteria provided. Collection method: clinical testing. Allele origin: germline. Not counted in ClinVar's aggregate classification.
Comment: This variant is classified as likely benign based on ACMG/AMP sequence variant interpretation guidelines (Richards et al. 2015 PMID: 25741868, with internal and published modifications).